The following is an entry in ClinVar:

NM_017841.4(SDHAF2):c.371-3C>T

Gene: SDHAF2 (succinate dehydrogenase complex assembly factor 2; plus strand). Cytogenetic location: 11q12.2.
Variant type: single nucleotide variant.
Coding change: c.371-3C>T on transcript NM_017841.4 (MANE Select); 3 bases into the intron before coding-DNA position 371, C replaced by T.
Molecular consequence: intron variant.
Genome position (GRCh38, 1-based): chr11:61,445,938, C>T. VCF-style: chr11-61445938-C-T. GRCh37 (hg19) VCF-style: chr11-61213410-C-T.
Identifiers: ClinVar variation 3643275 (VCV003643275.2).

ClinVar aggregate classification (germline): Uncertain significance (1 of 4 stars; one submission).

Conditions:
Hereditary pheochromocytoma and paraganglioma. Also called: Hereditary paragangliomas and pheochromocytomas; Hereditary Paraganglioma-Pheochromocytoma Syndromes; Hereditary pheochromocytoma-paraganglioma. Identifiers: Orphanet 29072, MedGen C4274332, MONDO:0017366.

Submission:

Labcorp Genetics (formerly Invitae), Labcorp
Classification: Uncertain significance for Hereditary pheochromocytoma and paraganglioma. Last evaluated: 2024-04-15. Review status: criteria provided, single submitter. Criteria: Invitae Variant Classification Sherloc (09022015). Collection method: clinical testing. Allele origin: germline.
Comment: This sequence change falls in intron 3 of the SDHAF2 gene. It does not directly change the encoded amino acid sequence of the SDHAF2 protein. It affects a nucleotide within the consensus splice site. This variant is not present in population databases (gnomAD no frequency). This variant has not been reported in the literature in individuals affected with SDHAF2-related conditions. Variants that disrupt the consensus splice site are a relatively common cause of aberrant splicing (PMID: 17576681, 9536098). Algorithms developed to predict the effect of sequence changes on RNA splicing suggest that this variant is not likely to affect RNA splicing. In summary, the available evidence is currently insufficient to determine the role of this variant in disease. Therefore, it has been classified as a Variant of Uncertain Significance.

Literature cited by the submitters: PubMed 17576681; PubMed 9536098.